The following is an entry in ClinVar:

ClinVar aggregate classification (germline): Pathogenic (0 of 4 stars; one submission).

Conditions:
Steinert myotonic dystrophy syndrome (DM1). Also called: STEINERT DISEASE; Myotonic dystrophy type 1; Dystrophia myotonica type 1; Steinert myotonic dystrophy; Steinert's disease. Identifiers: Orphanet 273, MedGen C3250443, MONDO:0008056, OMIM 160900.

Submission:

Institute of Molecular, Cell and Systems Biology, University of Glasgow
Classification: Pathogenic for Steinert myotonic dystrophy syndrome. Review status: no assertion criteria provided. Criteria: research. Collection method: research. Allele origin: germline. Inheritance: Autosomal dominant inheritance. Affected: yes. Observed: 1 heterozygote.
Comment: DMPK CTG repeat expansions greater than approximately 45-50 repeats are assumed to be pathogenic

This record is based on data published in PubMed 25052313, which reports only ClinVar accessions SCV000120188 and SCV000120189. The complete data set includes SCV000207445 - SCV000207579.

Literature cited by the submitters: PubMed 1346923; PubMed 1546326; PubMed 25052313.

NM_004409.5(DMPK):c.*224CTG[88]

Genes: DM1-AS (DM1 locus antisense RNA; plus strand), DMPK (DM1 protein kinase; minus strand), LOC107075317 (origin of replication in DMPK trinucleotide repeat region; plus strand), LOC109461477 (dystrophia myotonica protein kinase repeat instability region; plus strand). Cytogenetic location: 19q13.32.
Variant type: Microsatellite.
Coding change: c.*224CTG[88] on transcript NM_004409.5 (MANE Select); 88 copies in a row of the 3-base unit CTG starting at c.*224.
Molecular consequence: 3 prime UTR variant.
Genome position: GRCh38, VCF-style position (the base before the change): chr19:45,770,204. GRCh37 (hg19), VCF-style position (the base before the change): chr19:46,273,462.
Other names: DM1 CTG repeat expansion; c.*224CTG[88] (NM_001288764.2, NM_001424165.1, NM_001424169.1 and 1 more transcripts); c.*217CTG[88] (NM_001288765.2, NM_001424162.1, NM_001424163.1 and 2 more transcripts); c.*369CTG[88] (NM_001288766.2, NM_001424164.1, NM_001424168.1); c.*222_*224TGC[88] (NM_001081563.3).
Identifiers: ClinVar variation 188038 (VCV000188038.2), ClinGen allele CA915951870.